The following is an entry in ClinVar:

ClinVar aggregate classification (germline): Likely benign (1 of 4 stars; one submission).

gnomAD v4.1: 967 of 1,614,054 alleles (0.06%); highest among the groups gnomAD compares: Non-Finnish European, 0.073%; 3 homozygotes.

Submission:

CeGaT Center for Human Genetics Tuebingen
Classification: Likely benign. Last evaluated: 2026-04-01. Review status: criteria provided, single submitter. Criteria: CeGaT Center For Human Genetics Tuebingen Variant Classification Criteria Version 2. Collection method: clinical testing. Allele origin: germline. Affected: yes. Observed: 1 variant allele.
Comment: KDM5A: BP4, BP7

NM_001042603.3(KDM5A):c.3009A>G (p.Glu1003=)

Gene: KDM5A (lysine demethylase 5A; minus strand). Cytogenetic location: 12p13.33.
Variant type: single nucleotide variant.
Coding change: c.3009A>G on transcript NM_001042603.3 (MANE Select); coding-DNA position 3009, A replaced by G.
Protein change: p.Glu1003=; no amino-acid change (glutamic acid 1003 retained).
Molecular consequence: synonymous variant.
Genome position (GRCh38, 1-based): chr12:313,083, T>C on the plus strand (A>G on the coding strand, the complement: KDM5A is on the minus strand). VCF-style: chr12-313083-T-C. GRCh37 (hg19) VCF-style: chr12-422249-T-C.
Identifiers: ClinVar variation 4872425 (VCV004872425.2).